The following is an entry in ClinVar:

ClinVar aggregate classification (germline): Uncertain significance (1 of 4 stars; one submission).

Submission:

CeGaT Center for Human Genetics Tuebingen
Classification: Uncertain significance. Last evaluated: 2026-02-01. Review status: criteria provided, single submitter. Criteria: CeGaT Center For Human Genetics Tuebingen Variant Classification Criteria Version 2. Collection method: clinical testing. Allele origin: germline. Affected: yes. Observed: 1 variant allele.
Comment: WEE2: PM2, BP4

NM_001105558.1(WEE2):c.585+3A>G

Genes: WEE2 (WEE2 oocyte meiosis inhibiting kinase; plus strand), WEE2-AS1 (WEE2 antisense RNA 1; minus strand). Cytogenetic location: 7q34.
Variant type: single nucleotide variant.
Coding change: c.585+3A>G on transcript NM_001105558.1 (MANE Select); 3 bases into the intron after coding-DNA position 585, A replaced by G.
Molecular consequence: intron variant.
Genome position (GRCh38, 1-based): chr7:141,716,270, A>G. VCF-style: chr7-141716270-A-G. GRCh37 (hg19) VCF-style: chr7-141416070-A-G.
Identifiers: ClinVar variation 4822329 (VCV004822329.4).